The following is an entry in ClinVar:

ClinVar aggregate classification (germline): Uncertain significance (1 of 4 stars; one submission).

Conditions:
Nemaline myopathy 10 (NEM10). Identifiers: MedGen C4015360, MONDO:0014513, OMIM 616165.

Allele frequency attached by ClinVar (database versions not stated): gnomAD exomes below 0.00001; TOPMed below 0.00001.
gnomAD v4.1: 2 of 1,612,926 alleles (0.00012%); highest among the groups gnomAD compares: Non-Finnish European, 0.000085%; no homozygotes.

Submission:

Labcorp Genetics (formerly Invitae), Labcorp
Classification: Uncertain significance for Nemaline myopathy 10. Last evaluated: 2022-07-09. Review status: criteria provided, single submitter. Criteria: Invitae Variant Classification Sherloc (09022015). Collection method: clinical testing. Allele origin: germline.
Comment: This variant has not been reported in the literature in individuals affected with LMOD3-related conditions. This sequence change replaces tyrosine, which is neutral and polar, with histidine, which is basic and polar, at codon 76 of the LMOD3 protein (p.Tyr76His). This variant is not present in population databases (gnomAD no frequency). Algorithms developed to predict the effect of missense changes on protein structure and function are either unavailable or do not agree on the potential impact of this missense change (SIFT: "Tolerated"; PolyPhen-2: "Probably Damaging"; Align-GVGD: "Class C0"). In summary, the available evidence is currently insufficient to determine the role of this variant in disease. Therefore, it has been classified as a Variant of Uncertain Significance.

NM_198271.5(LMOD3):c.226T>C (p.Tyr76His)

Genes: LMOD3 (leiomodin 3; minus strand), LOC126806710 (CDK7 strongly-dependent group 2 enhancer GRCh37_chr3:69170601-69171800; plus strand). Cytogenetic location: 3p14.1.
Variant type: single nucleotide variant.
Coding change: c.226T>C on transcript NM_198271.5 (MANE Select); coding-DNA position 226, T replaced by C.
Protein change: p.Tyr76His; replaces tyrosine 76 with histidine.
Molecular consequence: missense variant.
Genome position (GRCh38, 1-based): chr3:69,122,161, A>G on the plus strand (T>C on the coding strand, the complement: LMOD3 is on the minus strand). VCF-style: chr3-69122161-A-G. GRCh37 (hg19) VCF-style: chr3-69171312-A-G.
Other names: c.226T>C, p.Tyr76His (NM_001304418.3); short protein forms Y76H.
Identifiers: ClinVar variation 2015299 (VCV002015299.4), dbSNP rs2092410901, ClinGen allele CA353478992.
Genomic context (GRCh38, chr3:69,122,161, plus strand): 5'-TCACAAAGGTGACAGGAACTCGTTCCTCTTCCAGCATGCGCCTGGATGCCTTTTCCCAAT[A>G]CATATAATCAACAAGAGATTTATGATTGAAGTTTCCTGTCGGTGGCTTGTCAGTTTGATC-3'
Protein context (NP_938012.2, residues 66-86): FNHKSLVDYM[Tyr76His]WEKASRRMLE